The following is an entry in ClinVar:

ClinVar aggregate classification (germline): Uncertain significance. Review status: criteria provided, multiple submitters, no conflicts (2 of 4 stars). 2 submissions from 2 submitters: Uncertain significance (2). Last evaluated 2025-09-27.

Allele frequency attached by ClinVar (database versions not stated): gnomAD exomes 0.00001 and 0.00004; ExAC 0.00006; gnomAD 0.00009; TOPMed 0.00009; ESP Exome Variant Server 0.00023; 1000 Genomes Project 30x 0.00031; 1000 Genomes Project 0.00040.

Submissions (2):

Labcorp Genetics (formerly Invitae), Labcorp
Classification: Uncertain significance. Last evaluated: 2025-09-27. Review status: criteria provided, single submitter. Criteria: Invitae Variant Classification Sherloc (09022015). Collection method: clinical testing. Allele origin: germline.
Comment: This sequence change replaces alanine, which is neutral and non-polar, with threonine, which is neutral and polar, at codon 90 of the ROM1 protein (p.Ala90Thr). This variant is present in population databases (rs142181130, gnomAD 0.04%). This variant has not been reported in the literature in individuals affected with ROM1-related conditions. ClinVar contains an entry for this variant (Variation ID: 1348571). Invitae Evidence Modeling of protein sequence and biophysical properties (such as structural, functional, and spatial information, amino acid conservation, physicochemical variation, residue mobility, and thermodynamic stability) indicates that this missense variant is not expected to disrupt ROM1 protein function with a negative predictive value of 80%. In summary, the available evidence is currently insufficient to determine the role of this variant in disease. Therefore, it has been classified as a Variant of Uncertain Significance.

Blueprint Genetics
Classification: Uncertain significance. Last evaluated: 2021-10-07. Review status: criteria provided, single submitter. Criteria: ACMG Guidelines, 2015. Collection method: clinical testing. Allele origin: germline.

NM_000327.4(ROM1):c.268G>A (p.Ala90Thr)

Gene: ROM1 (retinal outer segment membrane protein 1; plus strand). Cytogenetic location: 11q12.3.
Variant type: single nucleotide variant.
Coding change: c.268G>A on transcript NM_000327.4 (MANE Select); coding-DNA position 268, G replaced by A.
Protein change: p.Ala90Thr; replaces alanine 90 with threonine.
Molecular consequence: missense variant.
Genome position (GRCh38, 1-based): chr11:62,613,549, G>A. VCF-style: chr11-62613549-G-A. GRCh37 (hg19) VCF-style: chr11-62381021-G-A.
Other names: short protein forms A90T.
Identifiers: ClinVar variation 1348571 (VCV001348571.9), dbSNP rs142181130, ClinGen allele CA6049684.